The following is an entry in ClinVar:

NM_003640.5(ELP1):c.2686G>T (p.Gly896Cys)

Gene: ELP1 (elongator acetyltransferase complex subunit 1; minus strand). Cytogenetic location: 9q31.3.
Variant type: single nucleotide variant.
Coding change: c.2686G>T on transcript NM_003640.5 (MANE Select); coding-DNA position 2686, G replaced by T.
Protein change: p.Gly896Cys; replaces glycine 896 with cysteine.
Molecular consequence: missense variant.
Genome position (GRCh38, 1-based): chr9:108,896,546, C>A on the plus strand (G>T on the coding strand, the complement: ELP1 is on the minus strand). VCF-style: chr9-108896546-C-A. GRCh37 (hg19) VCF-style: chr9-111658826-C-A.
Other names: c.2344G>T, p.Gly782Cys (NM_001318360.2); c.1639G>T, p.Gly547Cys (NM_001330749.2); short protein forms G547C, G782C, G896C.
Identifiers: ClinVar variation 1063041 (VCV001063041.7), dbSNP rs200590656, ClinGen allele CA374419886.

ClinVar aggregate classification (germline): Uncertain significance. Review status: criteria provided, single submitter (1 of 4 stars). 2 submissions from 2 submitters: Uncertain significance (1). 1 of the submissions does not count toward it. Last evaluated 2021-09-01.

Conditions:
Familial dysautonomia. Also called: HSAN III; FD. Identifiers: Orphanet 1764, MedGen C0013364, MONDO:0009131, OMIM 223900. Disease mechanism: loss of function.

Submissions (2):

Labcorp Genetics (formerly Invitae), Labcorp
Classification: Uncertain significance. Last evaluated: 2021-09-01. Review status: criteria provided, single submitter. Criteria: Invitae Variant Classification Sherloc (09022015). Collection method: clinical testing. Allele origin: germline.
Comment: This sequence change replaces glycine with cysteine at codon 896 of the ELP1 protein (p.Gly896Cys). The glycine residue is highly conserved and there is a large physicochemical difference between glycine and cysteine. This variant is not present in population databases (ExAC no frequency). This variant has not been reported in the literature in individuals affected with ELP1-related conditions. Algorithms developed to predict the effect of missense changes on protein structure and function (SIFT, PolyPhen-2, Align-GVGD) all suggest that this variant is likely to be disruptive. In summary, the available evidence is currently insufficient to determine the role of this variant in disease. Therefore, it has been classified as a Variant of Uncertain Significance.

Natera, Inc.
Classification: Uncertain significance for Familial dysautonomia. Last evaluated: 2021-04-07. Review status: no assertion criteria provided. Collection method: clinical testing. Allele origin: germline. Not counted in ClinVar's aggregate classification.